The following is an entry in ClinVar:

ClinVar aggregate classification (germline): Pathogenic (1 of 4 stars; one submission).

Submission:

Labcorp Genetics (formerly Invitae), Labcorp
Classification: Pathogenic. Last evaluated: 2022-01-02. Review status: criteria provided, single submitter. Criteria: Invitae Variant Classification Sherloc (09022015). Collection method: clinical testing. Allele origin: germline.
Comment: For these reasons, this variant has been classified as Pathogenic. This variant has not been reported in the literature in individuals affected with RAI1-related conditions. This variant is not present in population databases (gnomAD no frequency). This sequence change creates a premature translational stop signal (p.Glu959Glyfs*70) in the RAI1 gene. It is expected to result in an absent or disrupted protein product. Loss-of-function variants in RAI1 are known to be pathogenic (PMID: 21857958, 24715852).

Literature cited by the submitters: PubMed 21857958; PubMed 24715852.

NM_030665.4(RAI1):c.2875dup (p.Glu959fs)

Gene: RAI1 (retinoic acid induced 1; plus strand). Cytogenetic location: 17p11.2.
Variant type: Duplication.
Coding change: c.2875dup on transcript NM_030665.4 (MANE Select); coding-DNA position 2875, one base duplicated (G; older notation c.2875dupG).
Protein change: p.Glu959fs; shifts the reading frame from glutamic acid 959.
Molecular consequence: frameshift variant.
Genome position (GRCh38, 1-based): chr17:17,795,823, G duplicated; the last of 4 consecutive G bases (chr17:17,795,820-17,795,823); duplicating any one gives the same sequence. VCF-style (leftmost placement, unchanged base first): chr17-17795819-T-TG. GRCh37 (hg19) VCF-style: chr17-17699133-T-TG.
Other names: short protein forms E959fs.
Identifiers: ClinVar variation 2069660 (VCV002069660.4), dbSNP rs2508583911, ClinGen allele CA2580092751.